The following is an entry in ClinVar:

NM_002474.3(MYH11):c.4735G>C (p.Asp1579His)

Genes: MYH11 (myosin heavy chain 11; minus strand), NDE1 (nudE neurodevelopment protein 1; plus strand). Cytogenetic location: 16p13.11.
Variant type: single nucleotide variant.
Coding change: c.4735G>C on transcript NM_002474.3 (MANE Select); coding-DNA position 4735, G replaced by C.
Protein change: p.Asp1579His; replaces aspartic acid 1579 with histidine.
Molecular consequence: missense variant. On other transcripts: intron variant (2).
Genome position (GRCh38, 1-based): chr16:15,720,895, C>G on the plus strand (G>C on the coding strand, the complement: MYH11 is on the minus strand). VCF-style: chr16-15720895-C-G. GRCh37 (hg19) VCF-style: chr16-15814752-C-G.
Other names: c.4756G>C, p.Asp1586His (NM_001040113.2, NM_001040114.2); c.4735G>C, p.Asp1579His (NM_022844.3); c.948-3296C>G (NM_001143979.2, NM_017668.3); short protein forms D1579H, D1586H.
Identifiers: ClinVar variation 3071706 (VCV003071706.1), dbSNP rs369751362, ClinGen allele CA394853599.

ClinVar aggregate classification (germline): Uncertain significance (1 of 4 stars; one submission).

Conditions:
Familial thoracic aortic aneurysm and aortic dissection (TAAD). Also called: Thoracic aortic aneurysms and dissections. Identifiers: Orphanet 91387, MedGen C4707243, MONDO:0019625.

Submission:

All of Us Research Program, National Institutes of Health
Classification: Uncertain significance for Familial thoracic aortic aneurysm and aortic dissection. Last evaluated: 2023-06-28. Review status: criteria provided, single submitter. Criteria: ACMG Guidelines, 2015. Collection method: clinical testing. Allele origin: germline. Inheritance: Autosomal dominant inheritance. Observed: 1 variant allele, 1 heterozygote.
Comment: This study involves interpretation of variants in research participants for the purpose of population health screening. Participant phenotype was not available at the time of variant classification. Additional details can be found in publication PMID: 35346344, PMCID: PMC8962531